The following is an entry in ClinVar:

NM_017841.4(SDHAF2):c.347G>A (p.Trp116Ter)

Gene: SDHAF2 (succinate dehydrogenase complex assembly factor 2; plus strand). Cytogenetic location: 11q12.2.
Variant type: single nucleotide variant.
Coding change: c.347G>A on transcript NM_017841.4 (MANE Select); coding-DNA position 347, G replaced by A.
Protein change: p.Trp116Ter; replaces tryptophan 116 with a stop codon.
Molecular consequence: nonsense.
Genome position (GRCh38, 1-based): chr11:61,438,090, G>A. VCF-style: chr11-61438090-G-A. GRCh37 (hg19) VCF-style: chr11-61205562-G-A.
Other names: short protein forms W116*.
Identifiers: ClinVar variation 230045 (VCV000230045.22), dbSNP rs876658350, ClinGen allele CA10579349.

ClinVar aggregate classification (germline): Conflicting classifications of pathogenicity. Review status: criteria provided, conflicting classifications (1 of 4 stars). 5 submissions from 5 submitters: Likely pathogenic (3); Uncertain significance (2). Last evaluated 2025-12-08.

Conditions:
Hereditary cancer-predisposing syndrome. Also called: Hereditary neoplastic syndrome; Neoplastic Syndromes, Hereditary; Tumor predisposition; Hereditary Cancer Syndrome. Identifiers: Orphanet 140162, MedGen C0027672, MeSH D009386, MONDO:0015356.
Hereditary pheochromocytoma and paraganglioma. Also called: Hereditary Paraganglioma-Pheochromocytoma Syndromes; Hereditary paragangliomas and pheochromocytomas; Hereditary pheochromocytoma-paraganglioma. Identifiers: Orphanet 29072, MedGen C4274332, MONDO:0017366.

Allele frequency attached by ClinVar (database versions not stated): TOPMed below 0.00001; gnomAD 0.00001.
gnomAD v4.1: 2 of 1,613,342 alleles (0.00012%); highest among the groups gnomAD compares: Non-Finnish European, 0.00017%; no homozygotes.

Submissions (5):

Labcorp Genetics (formerly Invitae), Labcorp
Classification: Uncertain significance for Hereditary pheochromocytoma and paraganglioma. Last evaluated: 2025-12-08. Review status: criteria provided, single submitter. Criteria: Invitae Variant Classification Sherloc (09022015). Collection method: clinical testing. Allele origin: germline.
Comment: This sequence change creates a premature translational stop signal (p.Trp116*) in the SDHAF2 gene. While this is not anticipated to result in nonsense mediated decay, it is expected to disrupt the last 51 amino acid(s) of the SDHAF2 protein. This variant is not present in population databases (gnomAD no frequency). This premature translational stop signal has been observed in individual(s) with a carotid body paraganglioma or renal cell carcinoma (PMID: 22241717, 31687641, 37864521). ClinVar contains an entry for this variant (Variation ID: 230045). Experimental studies and prediction algorithms are not available or were not evaluated, and the functional significance of this variant is currently unknown. In summary, the available evidence is currently insufficient to determine the role of this variant in disease. Therefore, it has been classified as a Variant of Uncertain Significance.

Ambry Genetics
Classification: Likely pathogenic for Hereditary cancer-predisposing syndrome. Last evaluated: 2025-06-25. Review status: criteria provided, single submitter. Criteria: Ambry Variant Classification Scheme 2023. Collection method: clinical testing. Allele origin: germline.
Comment: The p.W116* variant (also known as c.347G>A) located in coding exon 3 of the SDHAF2 gene, results from a G to A substitution at nucleotide position 347. This changes the amino acid from a tryptophan to a stop codon within coding exon 3. This alteration occurs at the 3' terminus of theSDHAF2 gene, is not expected to trigger nonsense-mediated mRNA decay, and impacts the last 51 amino acids of the protein. However, premature stop codons are typically deleterious in nature and a significant portion of the protein is affected (Ambry internal data). This variant is considered to be rare based on population cohorts in the Genome Aggregation Database (gnomAD). Based on the majority of available evidence to date, this variant is likely to be pathogenic.

GeneDx
Classification: Likely pathogenic. Last evaluated: 2025-05-16. Review status: criteria provided, single submitter. Criteria: GeneDx Variant Classification Process June 2021. Collection method: clinical testing. Allele origin: germline. Affected: yes.
Comment: Nonsense variant predicted to result in protein truncation, as the last 51 amino acids are lost, and other loss-of-function variants have been reported downstream in HGMD; Not observed at significant frequency in large population cohorts (gnomAD); This variant is associated with the following publications: (PMID: 32741965, 33748650, 40079348, Varela-Arzate2025[article], 37864521, 31687641)

Color Diagnostics, LLC DBA Color Health
Classification: Likely pathogenic for Hereditary pheochromocytoma and paraganglioma. Last evaluated: 2024-11-13. Review status: criteria provided, single submitter. Criteria: ACMG Guidelines, 2015. Collection method: clinical testing. Allele origin: germline.
Comment: This variant changes 1 nucleotide in exon 3/4 of the SDHAF2 gene, creating a premature translation stop signal. This variant is expected to result in an absent or non-functional protein product. To our knowledge, functional assays have not been reported for this variant, however studies have shown that an SDHAF2 protein containing aa37-151 is defective for both SDHA binding and flavination, suggesting this variant would show similar defects (PMID: 32887801). This variant has been reported in an individual affected with a carotid body paraganglioma (PMID: 31687641, 33748650). This variant has not been identified in the general population by the Genome Aggregation Database (gnomAD). Based on the available evidence, this variant is classified as Likely Pathogenic.

All of Us Research Program, National Institutes of Health
Classification: Uncertain significance for Hereditary pheochromocytoma and paraganglioma. Last evaluated: 2024-09-12. Review status: criteria provided, single submitter. Criteria: ACMG Guidelines, 2015. Collection method: clinical testing. Allele origin: germline. Inheritance: Autosomal dominant inheritance. Observed: 2 variant alleles, 2 heterozygotes.
Comment: This study involves interpretation of variants in research participants for the purpose of population health screening. Participant phenotype was not available at the time of variant classification. Additional details can be found in publication PMID: 35346344, PMCID: PMC8962531

Literature cited by the submitters: PubMed 22241717 (cited by Labcorp Genetics (formerly Invitae), Labcorp); PubMed 31687641 (cited by 3 submitters); PubMed 37864521 (cited by Labcorp Genetics (formerly Invitae), Labcorp); PubMed 32741965 (cited by Ambry Genetics); PubMed 33748650 (cited by Ambry Genetics and Color Diagnostics, LLC DBA Color Health); PubMed 32887801 (cited by Color Diagnostics, LLC DBA Color Health).